The following is an entry in ClinVar:

NM_001165963.4(SCN1A):c.3429+5G>T

Genes: SCN1A (sodium voltage-gated channel alpha subunit 1; minus strand), LOC102724058 (uncharacterized LOC102724058; plus strand). Cytogenetic location: 2q24.3.
Variant type: single nucleotide variant.
Coding change: c.3429+5G>T on transcript NM_001165963.4 (MANE Select); 5 bases into the intron after coding-DNA position 3429, G replaced by T.
Molecular consequence: intron variant.
Genome position (GRCh38, 1-based): chr2:166,036,043, C>A on the plus strand (G>T on the coding strand, the complement: SCN1A is on the minus strand). VCF-style: chr2-166036043-C-A. GRCh37 (hg19) VCF-style: chr2-166892553-C-A.
Other names: c.3396+5G>T (NM_001353949.2, NM_001353950.2, NM_001353951.2 and 2 more transcripts); c.3345+5G>T (NM_001353958.2, NM_001353957.2, NM_001165964.3); c.3429+5G>T (NM_001202435.3, NM_001353948.2); c.3393+5G>T (NM_001353955.2, NM_001353954.2); c.3342+5G>T (NM_001353960.2); c.987+5G>T (NM_001353961.2).
Identifiers: ClinVar variation 2104248 (VCV002104248.5), dbSNP rs2105792738, ClinGen allele CA2580064284.
Genomic context (GRCh38, chr2:166,036,043, plus strand): 5'-TCTGTATGTGTGTATATGTATATATGTATATGTATTCATACCTTCCCACACCTATAGAAT[C>A]TTACCTCTTTGCTTTCTTCCAGATCCGATTCACTACTAAAGTCTTCCGTGTTTAAATTTT-3'

ClinVar aggregate classification (germline): Conflicting classifications of pathogenicity. Review status: criteria provided, conflicting classifications (1 of 4 stars). 2 submissions from 2 submitters: Likely pathogenic (1); Uncertain significance (1). Last evaluated 2025-08-20.

Conditions:
Early-infantile DEE. Also called: Early infantile epileptic encephalopathy; Early infantile epileptic encephalopathy with suppression bursts; Ohtahara syndrome. Identifiers: Orphanet 1934, MedGen C0393706, MONDO:0800491.

Submissions (2):

Labcorp Genetics (formerly Invitae), Labcorp
Classification: Uncertain significance for Early-infantile DEE. Last evaluated: 2025-08-20. Review status: criteria provided, single submitter. Criteria: Invitae Variant Classification Sherloc (09022015). Collection method: clinical testing. Allele origin: germline.
Comment: This sequence change falls in intron 16 of the SCN1A gene. It does not directly change the encoded amino acid sequence of the SCN1A protein. It affects a nucleotide within the consensus splice site. This variant is not present in population databases (gnomAD no frequency). This variant has not been reported in the literature in individuals affected with SCN1A-related conditions. ClinVar contains an entry for this variant (Variation ID: 2104248). Variants that disrupt the consensus splice site are a relatively common cause of aberrant splicing (PMID: 17576681, 9536098). Algorithms developed to predict the effect of sequence changes on RNA splicing suggest that this variant is not likely to affect RNA splicing. This variant disrupts the c.3429+5G nucleotide in the SCN1A gene. Other variant(s) that disrupt this nucleotide have been determined to be pathogenic (PMID: 18930999, 31864146). This suggests that this nucleotide is clinically significant, and that variants that disrupt this position are likely to be disease-causing. In summary, the available evidence is currently insufficient to determine the role of this variant in disease. Therefore, it has been classified as a Variant of Uncertain Significance.

GeneDx
Classification: Likely pathogenic. Last evaluated: 2024-04-06. Review status: criteria provided, single submitter. Criteria: GeneDx Variant Classification Process June 2021. Collection method: clinical testing. Allele origin: germline. Affected: yes.
Comment: Not observed at significant frequency in large population cohorts (gnomAD); Has not been previously published as pathogenic or benign to our knowledge; In silico analysis is inconclusive as to whether the variant alters gene splicing. In the absence of RNA/functional studies, the actual effect of this sequence change is unknown.

Literature cited by the submitters: PubMed 17576681 (cited by Labcorp Genetics (formerly Invitae), Labcorp); PubMed 9536098 (cited by Labcorp Genetics (formerly Invitae), Labcorp); PubMed 18930999 (cited by Labcorp Genetics (formerly Invitae), Labcorp); PubMed 31864146 (cited by Labcorp Genetics (formerly Invitae), Labcorp).